The following is an entry in ClinVar:

ClinVar aggregate classification (germline): Likely pathogenic (1 of 4 stars; one submission).

Submission:

Labcorp Genetics (formerly Invitae), Labcorp
Classification: Likely pathogenic. Last evaluated: 2024-06-17. Review status: criteria provided, single submitter. Criteria: Invitae Variant Classification Sherloc (09022015). Collection method: clinical testing. Allele origin: germline.
Comment: This sequence change affects a donor splice site in intron 43 of the FLNB gene. It is expected to disrupt RNA splicing. Variants that disrupt the donor or acceptor splice site typically lead to a loss of protein function (PMID: 16199547), and loss-of-function variants in FLNB are known to be pathogenic (PMID: 14991055). This variant is not present in population databases (gnomAD no frequency). This variant has not been reported in the literature in individuals affected with FLNB-related conditions. Algorithms developed to predict the effect of sequence changes on RNA splicing suggest that this variant may disrupt the consensus splice site. In summary, the currently available evidence indicates that the variant is pathogenic, but additional data are needed to prove that conclusively. Therefore, this variant has been classified as Likely Pathogenic.

Literature cited by the submitters: PubMed 16199547; PubMed 14991055.

NM_001457.4(FLNB):c.7198+1G>A

Genes: FLNB (filamin B; plus strand), FLNB-AS1 (FLNB antisense RNA 1; minus strand). Cytogenetic location: 3p14.3.
Variant type: single nucleotide variant.
Coding change: c.7198+1G>A on transcript NM_001457.4 (MANE Select); the canonical splice donor site of the intron after coding-DNA position 7198, G replaced by A.
Molecular consequence: splice donor variant. On other transcripts: non-coding transcript variant (1).
Genome position (GRCh38, 1-based): chr3:58,163,331, G>A. VCF-style: chr3-58163331-G-A. GRCh37 (hg19) VCF-style: chr3-58149058-G-A.
Other names: c.7291+1G>A (NM_001164317.2); c.7165+1G>A (NM_001164318.2); c.7126+1G>A (NM_001164319.2).
Identifiers: ClinVar variation 3656721 (VCV003656721.2).